The following is an entry in ClinVar:

ClinVar aggregate classification (germline): Uncertain significance. Review status: criteria provided, multiple submitters, no conflicts (2 of 4 stars). 6 submissions from 6 submitters: Uncertain significance (6). Last evaluated 2025-11-03.

Conditions:
Hereditary nonpolyposis colorectal neoplasms. Identifiers: MedGen C0009405, MeSH D003123.
Hereditary cancer-predisposing syndrome. Also called: Tumor predisposition; Hereditary Cancer Syndrome; Hereditary neoplastic syndrome; Neoplastic Syndromes, Hereditary. Identifiers: Orphanet 140162, MedGen C0027672, MeSH D009386, MONDO:0015356.
Lynch syndrome 4 (LYNCH4). Also called: Colorectal cancer, hereditary nonpolyposis, type 4; Hereditary non-polyposis colorectal cancer, type 4. Identifiers: Orphanet 144, MedGen C1838333, MONDO:0013699, OMIM 614337. Disease mechanism: loss of function.

Submissions (6):

Labcorp Genetics (formerly Invitae), Labcorp
Classification: Uncertain significance for Hereditary nonpolyposis colorectal neoplasms. Last evaluated: 2025-11-03. Review status: criteria provided, single submitter. Criteria: Invitae Variant Classification Sherloc (09022015). Collection method: clinical testing. Allele origin: germline.
Comment: This sequence change replaces methionine, which is neutral and non-polar, with leucine, which is neutral and non-polar, at codon 136 of the PMS2 protein (p.Met136Leu). This variant is not present in population databases (gnomAD no frequency). This variant has not been reported in the literature in individuals affected with PMS2-related conditions. ClinVar contains an entry for this variant (Variation ID: 486050). Invitae Evidence Modeling incorporating data from in vitro experimental studies (internal data) indicates that this missense variant is not expected to disrupt PMS2 function with a negative predictive value of 95%. In summary, the available evidence is currently insufficient to determine the role of this variant in disease. Therefore, it has been classified as a Variant of Uncertain Significance.

Color Diagnostics, LLC DBA Color Health
Classification: Uncertain significance for Hereditary cancer-predisposing syndrome. Last evaluated: 2024-06-13. Review status: criteria provided, single submitter. Criteria: ACMG Guidelines, 2015. Collection method: clinical testing. Allele origin: germline.
Comment: This missense variant replaces methionine with leucine at codon 136 of the PMS2 protein. Computational prediction suggests that this variant may not impact protein structure and function (internally defined REVEL score threshold <= 0.5, PMID: 27666373). To our knowledge, functional studies have not been reported for this variant. This variant has not been reported in individuals affected with PMS2-related disorders in the literature. This variant has not been identified in the general population by the Genome Aggregation Database (gnomAD). The available evidence is insufficient to determine the role of this variant in disease conclusively. Therefore, this variant is classified as a Variant of Uncertain Significance.

Ambry Genetics
Classification: Uncertain significance for Hereditary cancer-predisposing syndrome. Last evaluated: 2024-02-22. Review status: criteria provided, single submitter. Criteria: Ambry Variant Classification Scheme 2023. Collection method: clinical testing. Allele origin: germline.
Comment: The p.M136L variant (also known as c.406A>T), located in coding exon 5 of the PMS2 gene, results from an A to T substitution at nucleotide position 406. The methionine at codon 136 is replaced by leucine, an amino acid with highly similar properties. This amino acid position is poorly conserved in available vertebrate species. In addition, this alteration is predicted to be tolerated by in silico analysis. Based on the available evidence, the clinical significance of this alteration remains unclear.

Baylor Genetics
Classification: Uncertain significance for Lynch syndrome 4. Last evaluated: 2024-02-09. Review status: criteria provided, single submitter. Criteria: ACMG Guidelines, 2015. Collection method: clinical testing. Allele origin: unknown.

GeneDx
Classification: Uncertain significance. Last evaluated: 2021-11-05. Review status: criteria provided, single submitter. Criteria: GeneDx Variant Classification Process June 2021. Collection method: clinical testing. Allele origin: germline. Affected: yes.
Comment: Not observed at significant frequency in large population cohorts (Lek 2016); In silico analysis supports that this missense variant does not alter protein structure/function; Has not been previously published as pathogenic or benign to our knowledge; This variant is associated with the following publications: (PMID: 11574484)

Women's Health and Genetics/Laboratory Corporation of America, LabCorp
Classification: Uncertain significance. Last evaluated: 2016-09-30. Review status: criteria provided, single submitter. Criteria: LabCorp Variant Classification Summary - May 2015. Collection method: clinical testing. Allele origin: germline.
Comment: Variant summary: The PMS2 c.406A>T (p.Met136Leu) variant involves the alteration of a non-conserved nucleotide. This variant is located in the histidine kinase-like ATPase domain of the protein (InterPro). 4/4 in silico tools predict a benign outcome for this variant. This variant is absent in 121390 control chromosomes. The variant of interest has not, to our knowledge, been reported in affected individuals via publications and/or reputable databases/clinical diagnostic laboratories; nor evaluated for functional impact by in vivo/vitro studies. Because of the absence of clinical information and the lack of functional studies, the variant is classified as a variant of uncertain significance (VUS) until additional information becomes available.

NM_000535.7(PMS2):c.406A>T (p.Met136Leu)

Gene: PMS2 (PMS1 homolog 2, mismatch repair system component; minus strand). Cytogenetic location: 7p22.1.
Variant type: single nucleotide variant.
Coding change: c.406A>T on transcript NM_000535.7 (MANE Select); coding-DNA position 406, A replaced by T.
Protein change: p.Met136Leu; replaces methionine 136 with leucine.
Molecular consequence: missense variant. On other transcripts: initiator codon variant (6), 5 prime UTR variant (2), non-coding transcript variant (1).
Genome position (GRCh38, 1-based): chr7:6,002,584, T>A on the plus strand (A>T on the coding strand, the complement: PMS2 is on the minus strand). VCF-style: chr7-6002584-T-A. GRCh37 (hg19) VCF-style: chr7-6042215-T-A.
Other names: c.1A>T, p.Met1Leu (NM_001322003.2, NM_001322004.2, NM_001322005.2 and 3 more transcripts); c.406A>T, p.Met136Leu (NM_001322006.2, NM_001322014.2); c.88A>T, p.Met30Leu (NM_001322007.2, NM_001322008.2); c.-479A>T (NM_001322011.2, NM_001322012.2); c.97A>T, p.Met33Leu (NM_001322015.2); short protein forms M136L, M1L, M33L, M30L.
Identifiers: ClinVar variation 486050 (VCV000486050.19), dbSNP rs35690297, ClinGen allele CA366744418.